The following is an entry in ClinVar:

ClinVar aggregate classification (germline): Uncertain significance (1 of 4 stars; one submission).

Submission:

Dasa
Classification: Uncertain significance. Last evaluated: 2025-10-01. Review status: criteria provided, single submitter. Criteria: DASA Assertion Criteria. Collection method: clinical testing. Allele origin: germline.
Comment: NM_001035.3(RYR2):c.14874C>G (p.Phe4958Leu) is a missense variant that results in the substitution of phenylalanine with leucine. The affected residue or protein region has prior evidence supporting clinical relevance. This variant is absent from population databases. Computational prediction algorithms are consistent with a deleterious effect. The currently available literature and clinical evidence are not sufficient to establish a definitive association between this variant and the reported condition. Therefore, this variant is classified as a variant of uncertain significance.

NM_001035.3(RYR2):c.14874C>G (p.Phe4958Leu)

Gene: RYR2 (ryanodine receptor 2; plus strand). Cytogenetic location: 1q43.
Variant type: single nucleotide variant.
Coding change: c.14874C>G on transcript NM_001035.3 (MANE Select); coding-DNA position 14874, C replaced by G.
Protein change: p.Phe4958Leu; replaces phenylalanine 4958 with leucine.
Molecular consequence: missense variant.
Genome position (GRCh38, 1-based): chr1:237,832,617, C>G. VCF-style: chr1-237832617-C-G. GRCh37 (hg19) VCF-style: chr1-237995917-C-G.
Other names: short protein forms F4958L.
Identifiers: ClinVar variation 4885183 (VCV004885183.2).
Genomic context (GRCh38, chr1:237,832,617, plus strand): 5'-TTATGTCTGGAAGATGTATCAAGAAAGGTGTTGGGAATTTTTCCCAGCAGGGGATTGCTT[C>G]CGGAAACAGTATGAAGACCAGCTAAATTAAACTCAGACCCAATCACCTCTAAAAACCAAA-3'
Protein context (NP_001026.2, residues 4948-4967): CWEFFPAGDC[Phe4958Leu]RKQYEDQLN